The following is an entry in ClinVar:

ClinVar aggregate classification (germline): Uncertain significance (1 of 4 stars; one submission).

Allele frequency attached by ClinVar (database versions not stated): gnomAD 0.00001; TOPMed 0.00002.

Submission:

Labcorp Genetics (formerly Invitae), Labcorp
Classification: Uncertain significance. Last evaluated: 2025-09-28. Review status: criteria provided, single submitter. Criteria: Invitae Variant Classification Sherloc (09022015). Collection method: clinical testing. Allele origin: germline.
Comment: This sequence change replaces valine, which is neutral and non-polar, with isoleucine, which is neutral and non-polar, at codon 2938 of the DCHS1 protein (p.Val2938Ile). This variant is present in population databases (rs778594490, gnomAD 0.003%). This variant has not been reported in the literature in individuals affected with DCHS1-related conditions. ClinVar contains an entry for this variant (Variation ID: 1915084). Invitae Evidence Modeling of protein sequence and biophysical properties (such as structural, functional, and spatial information, amino acid conservation, physicochemical variation, residue mobility, and thermodynamic stability) has been performed for this missense variant. However, the output from this modeling did not meet the statistical confidence thresholds required to predict the impact of this variant on DCHS1 protein function. In summary, the available evidence is currently insufficient to determine the role of this variant in disease. Therefore, it has been classified as a Variant of Uncertain Significance.

NM_003737.4(DCHS1):c.8812G>A (p.Val2938Ile)

Gene: DCHS1 (dachsous cadherin-related 1; minus strand). Cytogenetic location: 11p15.4.
Variant type: single nucleotide variant.
Coding change: c.8812G>A on transcript NM_003737.4 (MANE Select); coding-DNA position 8812, G replaced by A.
Protein change: p.Val2938Ile; replaces valine 2938 with isoleucine.
Molecular consequence: missense variant.
Genome position (GRCh38, 1-based): chr11:6,622,864, C>T on the plus strand (G>A on the coding strand, the complement: DCHS1 is on the minus strand). VCF-style: chr11-6622864-C-T. GRCh37 (hg19) VCF-style: chr11-6644095-C-T.
Other names: short protein forms V2938I.
Identifiers: ClinVar variation 1915084 (VCV001915084.5), dbSNP rs778594490, ClinGen allele CA5859355.